The following is an entry in ClinVar:

NM_001083961.2(WDR62):c.761T>C (p.Ile254Thr)

Gene: WDR62 (WD repeat domain 62; plus strand). Cytogenetic location: 19q13.12.
Variant type: single nucleotide variant.
Coding change: c.761T>C on transcript NM_001083961.2 (MANE Select); coding-DNA position 761, T replaced by C.
Protein change: p.Ile254Thr; replaces isoleucine 254 with threonine.
Molecular consequence: missense variant.
Genome position (GRCh38, 1-based): chr19:36,067,889, T>C. VCF-style: chr19-36067889-T-C. GRCh37 (hg19) VCF-style: chr19-36558791-T-C.
Other names: c.761T>C, p.Ile254Thr (NM_001411145.1, NM_001411146.1, NM_001411147.1 and 1 more transcripts); short protein forms I254T.
Identifiers: ClinVar variation 1991805 (VCV001991805.4), dbSNP rs780226596, ClinGen allele CA9395379.

ClinVar aggregate classification (germline): Uncertain significance (1 of 4 stars; one submission).

Allele frequency attached by ClinVar (database versions not stated): gnomAD 0.00001; ExAC 0.00003.
gnomAD v4.1: 20 of 1,614,020 alleles (0.0012%); highest among the groups gnomAD compares: South Asian, 0.022%; no homozygotes.

Submission:

Labcorp Genetics (formerly Invitae), Labcorp
Classification: Uncertain significance. Last evaluated: 2022-03-28. Review status: criteria provided, single submitter. Criteria: Invitae Variant Classification Sherloc (09022015). Collection method: clinical testing. Allele origin: germline.
Comment: This sequence change replaces isoleucine, which is neutral and non-polar, with threonine, which is neutral and polar, at codon 254 of the WDR62 protein (p.Ile254Thr). This variant is present in population databases (rs780226596, gnomAD 0.03%). This variant has not been reported in the literature in individuals affected with WDR62-related conditions. Algorithms developed to predict the effect of missense changes on protein structure and function (SIFT, PolyPhen-2, Align-GVGD) all suggest that this variant is likely to be tolerated. In summary, the available evidence is currently insufficient to determine the role of this variant in disease. Therefore, it has been classified as a Variant of Uncertain Significance.